The following is an entry in ClinVar:

ClinVar aggregate classification (germline): Uncertain significance. Review status: criteria provided, multiple submitters, no conflicts (2 of 4 stars). 2 submissions from 2 submitters: Uncertain significance (2). Last evaluated 2025-04-19.

Conditions:
Inborn genetic diseases. Identifiers: MedGen C0950123, MeSH D030342.

Allele frequency attached by ClinVar (database versions not stated): gnomAD 0.00002; TOPMed 0.00002; ExAC 0.00002.
gnomAD v4.1: 27 of 1,613,918 alleles (0.0017%); highest among the groups gnomAD compares: Non-Finnish European, 0.002%; no homozygotes.

Submissions (2):

Labcorp Genetics (formerly Invitae), Labcorp
Classification: Uncertain significance. Last evaluated: 2025-04-19. Review status: criteria provided, single submitter. Criteria: Invitae Variant Classification Sherloc (09022015). Collection method: clinical testing. Allele origin: germline.
Comment: This sequence change replaces proline, which is neutral and non-polar, with leucine, which is neutral and non-polar, at codon 575 of the SCNN1B protein (p.Pro575Leu). This variant is present in population databases (rs752661550, gnomAD 0.007%). This variant has not been reported in the literature in individuals affected with SCNN1B-related conditions. ClinVar contains an entry for this variant (Variation ID: 2718668). An algorithm developed to predict the effect of missense changes on protein structure and function (PolyPhen-2) suggests that this variant is likely to be disruptive. In summary, the available evidence is currently insufficient to determine the role of this variant in disease. Therefore, it has been classified as a Variant of Uncertain Significance.

Ambry Genetics
Classification: Uncertain significance for Inborn genetic diseases. Last evaluated: 2024-07-26. Review status: criteria provided, single submitter. Criteria: Ambry Variant Classification Scheme 2023. Collection method: clinical testing. Allele origin: germline.

NM_000336.3(SCNN1B):c.1724C>T (p.Pro575Leu)

Gene: SCNN1B (sodium channel epithelial 1 subunit beta; plus strand). Cytogenetic location: 16p12.2.
Variant type: single nucleotide variant.
Coding change: c.1724C>T on transcript NM_000336.3 (MANE Select); coding-DNA position 1724, C replaced by T.
Protein change: p.Pro575Leu; replaces proline 575 with leucine.
Molecular consequence: missense variant.
Genome position (GRCh38, 1-based): chr16:23,380,602, C>T. VCF-style: chr16-23380602-C-T. GRCh37 (hg19) VCF-style: chr16-23391923-C-T.
Other names: c.1616C>T, p.Pro539Leu (NM_001410900.1); c.1724C>T (NM_000336.2); short protein forms P539L, P575L.
Identifiers: ClinVar variation 2718668 (VCV002718668.4), dbSNP rs752661550, ClinGen allele CA7960621.